The following is an entry in ClinVar:

ClinVar aggregate classification (germline): Uncertain significance. Review status: criteria provided, multiple submitters, no conflicts (2 of 4 stars). 4 submissions from 4 submitters: Uncertain significance (4). Last evaluated 2025-05-15.

Conditions:
Aicardi-Goutieres syndrome 4. Identifiers: Orphanet 51, MedGen C1835912, MONDO:0012472, OMIM 610333.
Inborn genetic diseases. Identifiers: MedGen C0950123, MeSH D030342.

Allele frequency attached by ClinVar (database versions not stated): gnomAD 0.00007 and 0.00006; TOPMed 0.00009; ExAC 0.00007.
gnomAD v4.1: 323 of 1,573,924 alleles (0.021%); highest among the groups gnomAD compares: Non-Finnish European, 0.027%; 2 homozygotes.

Submissions (4):

Ambry Genetics
Classification: Uncertain significance for Inborn genetic diseases. Last evaluated: 2025-05-15. Review status: criteria provided, single submitter. Criteria: Ambry Variant Classification Scheme 2023. Collection method: clinical testing. Allele origin: germline.

Labcorp Genetics (formerly Invitae), Labcorp
Classification: Uncertain significance for Aicardi-Goutieres syndrome 4. Last evaluated: 2022-10-27. Review status: criteria provided, single submitter. Criteria: Invitae Variant Classification Sherloc (09022015). Collection method: clinical testing. Allele origin: germline.
Comment: This sequence change replaces glutamic acid, which is acidic and polar, with glutamine, which is neutral and polar, at codon 27 of the RNASEH2A protein (p.Glu27Gln). This variant is present in population databases (rs770044946, gnomAD 0.009%). This variant has not been reported in the literature in individuals affected with RNASEH2A-related conditions. ClinVar contains an entry for this variant (Variation ID: 593316). Advanced modeling of protein sequence and biophysical properties (such as structural, functional, and spatial information, amino acid conservation, physicochemical variation, residue mobility, and thermodynamic stability) performed at Invitae indicates that this missense variant is not expected to disrupt RNASEH2A protein function. In summary, the available evidence is currently insufficient to determine the role of this variant in disease. Therefore, it has been classified as a Variant of Uncertain Significance.

Illumina Laboratory Services, Illumina
Classification: Uncertain significance for Aicardi-Goutieres syndrome 4. Last evaluated: 2018-01-12. Review status: criteria provided, single submitter. Criteria: ICSL Variant Classification Criteria 13 December 2019. Collection method: clinical testing. Allele origin: germline.

Eurofins Ntd Llc (ga)
Classification: Uncertain significance. Last evaluated: 2017-08-03. Review status: criteria provided, single submitter. Criteria: EGL Classification Definitions 2015. Collection method: clinical testing. Allele origin: germline. Observed: 1 variant allele, 1 heterozygote.

NM_006397.3(RNASEH2A):c.79G>C (p.Glu27Gln)

Genes: RNASEH2A (ribonuclease H2 subunit A; plus strand), LOC117038795 (CRISPRi-FlowFISH-validated PRDX2 regulatory element 4; plus strand). Cytogenetic location: 19p13.13.
Variant type: single nucleotide variant.
Coding change: c.79G>C on transcript NM_006397.3 (MANE Select); coding-DNA position 79, G replaced by C.
Protein change: p.Glu27Gln; replaces glutamic acid 27 with glutamine.
Molecular consequence: missense variant.
Genome position (GRCh38, 1-based): chr19:12,806,752, G>C. VCF-style: chr19-12806752-G-C. GRCh37 (hg19) VCF-style: chr19-12917566-G-C.
Other names: short protein forms E27Q.
Identifiers: ClinVar variation 593316 (VCV000593316.14), dbSNP rs770044946, ClinGen allele CA9231716.